The following is an entry in ClinVar:

NM_001023570.4(IQCB1):c.1344A>G (p.Gln448=)

Gene: IQCB1 (IQ motif containing B1; minus strand). Cytogenetic location: 3q13.33.
Variant type: single nucleotide variant.
Coding change: c.1344A>G on transcript NM_001023570.4 (MANE Select); coding-DNA position 1344, A replaced by G.
Protein change: p.Gln448=; no amino-acid change (glutamine 448 retained).
Molecular consequence: synonymous variant. On other transcripts: non-coding transcript variant (1).
Genome position (GRCh38, 1-based): chr3:121,781,809, T>C on the plus strand (A>G on the coding strand, the complement: IQCB1 is on the minus strand). VCF-style: chr3-121781809-T-C. GRCh37 (hg19) VCF-style: chr3-121500656-T-C.
Other names: c.945A>G, p.Gln315= (NM_001023571.4); c.1344A>G, p.Gln448= (NM_001319107.2); c.1344A>G (NM_001023570.3).
Identifiers: ClinVar variation 342773 (VCV000342773.17), dbSNP rs886057824, ClinGen allele CA10616889.

ClinVar aggregate classification (germline): Likely benign. Review status: criteria provided, multiple submitters, no conflicts (2 of 4 stars). 3 submissions from 3 submitters: Likely benign (3). Last evaluated 2026-06-22.

Conditions:
Nephronophthisis. Also called: Juvenile Nephronophthisis. Identifiers: Orphanet 655, MedGen C0687120, MONDO:0019005, HP:0000090.
IQCB1-related disorder. Also called: IQCB1-related condition.

Allele frequency attached by ClinVar (database versions not stated): gnomAD exomes 0.00001; TOPMed 0.00003.
gnomAD v4.1: 10 of 1,613,938 alleles (0.00062%); highest among the groups gnomAD compares: Admixed American, 0.0033%; no homozygotes.

Submissions (3):

PreventionGenetics, part of Exact Sciences
Classification: Likely benign for IQCB1-related condition. Last evaluated: 2026-06-22. Review status: criteria provided, single submitter. Criteria: ACMG Guidelines, 2015. Collection method: clinical testing. Allele origin: germline.
Comment: This variant is classified as likely benign based on ACMG/AMP sequence variant interpretation guidelines (Richards et al. 2015 PMID: 25741868, with internal and published modifications).

Labcorp Genetics (formerly Invitae), Labcorp
Classification: Likely benign for Nephronophthisis. Last evaluated: 2024-06-02. Review status: criteria provided, single submitter. Criteria: Invitae Variant Classification Sherloc (09022015). Collection method: clinical testing. Allele origin: germline.

Blueprint Genetics
Classification: Likely benign. Last evaluated: 2018-10-11. Review status: criteria provided, single submitter. Criteria: ACMG Guidelines, 2015. Collection method: clinical testing. Allele origin: germline.